The following is an entry in ClinVar:

ClinVar aggregate classification (germline): Uncertain significance (1 of 4 stars; one submission).

Conditions:
Inborn genetic diseases. Identifiers: MedGen C0950123, MeSH D030342.

Submission:

Ambry Genetics
Classification: Uncertain significance for Inborn genetic diseases. Last evaluated: 2025-04-12. Review status: criteria provided, single submitter. Criteria: Ambry Variant Classification Scheme 2023. Collection method: clinical testing. Allele origin: germline.
Comment: The p.V320A variant (also known as c.959T>C), located in coding exon 10 of the AKT1 gene, results from a T to C substitution at nucleotide position 959. The valine at codon 320 is replaced by alanine, an amino acid with similar properties. This amino acid position is conserved. In addition, the in silico prediction for this alteration is inconclusive. Based on the available evidence, the clinical significance of this variant remains unclear.

NM_001382430.1(AKT1):c.959T>C (p.Val320Ala)

Gene: AKT1 (AKT serine/threonine kinase 1; minus strand). Cytogenetic location: 14q32.33.
Variant type: single nucleotide variant.
Coding change: c.959T>C on transcript NM_001382430.1 (MANE Select); coding-DNA position 959, T replaced by C.
Protein change: p.Val320Ala; replaces valine 320 with alanine.
Molecular consequence: missense variant.
Genome position (GRCh38, 1-based): chr14:104,773,091, A>G on the plus strand (T>C on the coding strand, the complement: AKT1 is on the minus strand). VCF-style: chr14-104773091-A-G. GRCh37 (hg19) VCF-style: chr14-105239428-A-G.
Other names: c.959T>C, p.Val320Ala (NM_001014431.2, NM_001014432.2, NM_001382431.1 and 3 more transcripts); short protein forms V320A.
Identifiers: ClinVar variation 4036020 (VCV004036020.1).